The following is an entry in ClinVar:

ClinVar aggregate classification (germline): Uncertain significance. Review status: criteria provided, multiple submitters, no conflicts (2 of 4 stars). 4 submissions from 4 submitters: Uncertain significance (3). 1 of the submissions does not count toward it. Last evaluated 2022-12-06.

Conditions:
Inborn genetic diseases. Identifiers: MedGen C0950123, MeSH D030342.
Usher syndrome type 1 (USH1). Also called: RETINITIS PIGMENTOSA AND CONGENITAL DEAFNESS. Identifiers: Orphanet 231169, Orphanet 886, MedGen C1568247, MONDO:0010168, OMIM 276900.

Allele frequency attached by ClinVar (database versions not stated): gnomAD exomes 0.00001; ExAC 0.00002; TOPMed 0.00005; gnomAD 0.00007 and 0.00008; ESP Exome Variant Server 0.00008.
gnomAD v4.1: 89 of 1,608,424 alleles (0.0055%); highest among the groups gnomAD compares: Non-Finnish European, 0.0069%; no homozygotes.

Submissions (4):

Ambry Genetics
Classification: Uncertain significance for Inborn genetic diseases. Last evaluated: 2022-12-06. Review status: criteria provided, single submitter. Criteria: Ambry Variant Classification Scheme 2023. Collection method: clinical testing. Allele origin: germline.

Labcorp Genetics (formerly Invitae), Labcorp
Classification: Uncertain significance. Last evaluated: 2022-11-01. Review status: criteria provided, single submitter. Criteria: Invitae Variant Classification Sherloc (09022015). Collection method: clinical testing. Allele origin: germline.
Comment: This sequence change replaces valine, which is neutral and non-polar, with methionine, which is neutral and non-polar, at codon 2553 of the CDH23 protein (p.Val2553Met). This variant is present in population databases (rs370325211, gnomAD 0.004%). This variant has not been reported in the literature in individuals affected with CDH23-related conditions. ClinVar contains an entry for this variant (Variation ID: 1009375). Advanced modeling of protein sequence and biophysical properties (such as structural, functional, and spatial information, amino acid conservation, physicochemical variation, residue mobility, and thermodynamic stability) performed at Invitae indicates that this missense variant is not expected to disrupt CDH23 protein function. In summary, the available evidence is currently insufficient to determine the role of this variant in disease. Therefore, it has been classified as a Variant of Uncertain Significance.

Blueprint Genetics
Classification: Uncertain significance. Last evaluated: 2022-03-14. Review status: criteria provided, single submitter. Criteria: ACMG Guidelines, 2015. Collection method: clinical testing. Allele origin: germline.

Natera, Inc.
Classification: Uncertain significance for Usher syndrome type 1. Last evaluated: 2020-03-17. Review status: no assertion criteria provided. Collection method: clinical testing. Allele origin: germline. Not counted in ClinVar's aggregate classification.

NM_022124.6(CDH23):c.7657G>A (p.Val2553Met)

Gene: CDH23 (cadherin related 23; plus strand). Cytogenetic location: 10q22.1.
Variant type: single nucleotide variant.
Coding change: c.7657G>A on transcript NM_022124.6 (MANE Select); coding-DNA position 7657, G replaced by A.
Protein change: p.Val2553Met; replaces valine 2553 with methionine.
Molecular consequence: missense variant.
Genome position (GRCh38, 1-based): chr10:71,803,072, G>A. VCF-style: chr10-71803072-G-A. GRCh37 (hg19) VCF-style: chr10-73562829-G-A.
Other names: c.7657G>A (NM_022124.5); c.937G>A, p.Val313Met (NM_001171933.1, NM_001171934.1); short protein forms V2553M, V313M.
Identifiers: ClinVar variation 1009375 (VCV001009375.6), dbSNP rs370325211, ClinGen allele CA5546397.